The following is an entry in ClinVar:

ClinVar aggregate classification (germline): Uncertain significance (1 of 4 stars; one submission).

Allele frequency attached by ClinVar (database versions not stated): gnomAD exomes below 0.00001; ESP Exome Variant Server 0.00008.
gnomAD v4.1: 2 of 1,613,596 alleles (0.00012%); highest among the groups gnomAD compares: African/African-American, 0.0013%; no homozygotes.

Submission:

Labcorp Genetics (formerly Invitae), Labcorp
Classification: Uncertain significance. Last evaluated: 2020-02-22. Review status: criteria provided, single submitter. Criteria: Invitae Variant Classification Sherloc (09022015). Collection method: clinical testing. Allele origin: germline.
Comment: This sequence change replaces serine with asparagine at codon 63 of the RBP3 protein (p.Ser63Asn). The serine residue is weakly conserved and there is a small physicochemical difference between serine and asparagine. This variant is not present in population databases (ExAC no frequency). This variant has not been reported in the literature in individuals with RBP3-related conditions. Algorithms developed to predict the effect of missense changes on protein structure and function (SIFT, PolyPhen-2, Align-GVGD) all suggest that this variant is likely to be tolerated, but these predictions have not been confirmed by published functional studies and their clinical significance is uncertain. In summary, the available evidence is currently insufficient to determine the role of this variant in disease. Therefore, it has been classified as a Variant of Uncertain Significance.

NM_002900.3(RBP3):c.188G>A (p.Ser63Asn)

Gene: RBP3 (retinol binding protein 3; plus strand). Cytogenetic location: 10q11.22.
Variant type: single nucleotide variant.
Coding change: c.188G>A on transcript NM_002900.3 (MANE Select); coding-DNA position 188, G replaced by A.
Protein change: p.Ser63Asn; replaces serine 63 with asparagine.
Molecular consequence: missense variant.
Genome position (GRCh38, 1-based): chr10:47,348,672, G>A. VCF-style: chr10-47348672-G-A. GRCh37 (hg19) VCF-style: chr10-48390690-C-T.
Other names: short protein forms S63N.
Identifiers: ClinVar variation 968806 (VCV000968806.9), dbSNP rs369433836, ClinGen allele CA376664378.
Genomic context (GRCh38, chr10:47,348,672, plus strand): 5'-AGAACCTGCTGGGCATGCAGGAAGCCATCCAGCAGGCCATCAAGAGCCATGAGATTCTGA[G>A]CATCTCAGACCCGCAGACGCTGGCCAGTGTGCTGACAGCCGGGGTGCAGAGCTCCCTGAA-3'
Protein context (NP_002891.1, residues 53-73): QQAIKSHEIL[Ser63Asn]ISDPQTLASV